The following is an entry in ClinVar:

NM_001046.3(SLC12A2):c.860G>A (p.Trp287Ter)

Gene: SLC12A2 (solute carrier family 12 member 2; plus strand). Cytogenetic location: 5q23.3.
Variant type: single nucleotide variant.
Coding change: c.860G>A on transcript NM_001046.3 (MANE Select); coding-DNA position 860, G replaced by A.
Protein change: p.Trp287Ter; replaces tryptophan 287 with a stop codon.
Molecular consequence: nonsense. On other transcripts: non-coding transcript variant (1).
Genome position (GRCh38, 1-based): chr5:128,112,917, G>A. VCF-style: chr5-128112917-G-A. GRCh37 (hg19) VCF-style: chr5-127448609-G-A.
Other names: c.860G>A, p.Trp287Ter (NM_001256461.2); short protein forms W287*.
Identifiers: ClinVar variation 1878830 (VCV001878830.1), dbSNP rs1283060816, ClinGen allele CA360737871.
Genomic context (GRCh38, chr5:128,112,917, plus strand): 5'-CAACCAGAGATGCTGTGGTCACGTATACTGCAGAAAGTAAAGGAGTCGTGAAGTTTGGCT[G>A]GATCAAGGGTGTATTAGTATGTATATATAGACTTAATTTTATAGTTACAGCATATCTGTT-3'

ClinVar aggregate classification (germline): Uncertain significance (1 of 4 stars; one submission).

Submission:

GeneDx
Classification: Uncertain significance. Last evaluated: 2022-07-13. Review status: criteria provided, single submitter. Criteria: GeneDx Variant Classification Process June 2021. Collection method: clinical testing. Allele origin: germline. Affected: yes.
Comment: Nonsense variant predicted to result in protein truncation or nonsense mediated decay in a gene or region of a gene for which loss of function is not a well-established mechanism of disease; Not observed at significant frequency in large population cohorts (gnomAD); Has not been previously published as pathogenic or benign to our knowledge